The following is an entry in ClinVar:

NM_000179.3(MSH6):c.1649_1671dup (p.Val558fs)

Gene: MSH6 (mutS homolog 6; plus strand). Cytogenetic location: 2p16.3.
Variant type: Duplication.
Coding change: c.1649_1671dup on transcript NM_000179.3 (MANE Select); coding-DNA positions 1649 to 1671, 23 bases duplicated (CTGGCCATACTCGTGCATATGGT).
Protein change: p.Val558fs; shifts the reading frame from valine 558.
Molecular consequence: frameshift variant.
Genome position (GRCh38, 1-based): chr2:47,799,632-47,799,654, CTGGCCATACTCGTGCATATGGT duplicated; duplicating any 23 consecutive bases within chr2:47,799,631-47,799,654 gives the same sequence; the c. name uses the placement nearest the transcript's 3' end. VCF-style (leftmost placement, unchanged base first): chr2-47799630-T-TTCTGGCCATACTCGTGCATATGG. GRCh37 (hg19) VCF-style: chr2-48026769-T-TTCTGGCCATACTCGTGCATATGG.
Other names: c.1745_1767dup, p.Val590Leufs (NM_001406802.1, NM_001406795.1); c.1649_1671dup, p.Val558Leufs (NM_001406803.1, NM_001406808.1, NM_001406809.1 and 3 more transcripts); c.1571_1593dup, p.Val532Leufs (NM_001406804.1); c.1352_1374dup, p.Val459Leufs (NM_001406805.1, NM_001406818.1, NM_001406819.1 and 10 more transcripts); c.1124_1146dup, p.Val383Leufs (NM_001406806.1, NM_001406807.1, NM_001406799.1); c.743_765dup, p.Val256Leufs (NM_001406811.1, NM_001406812.1, NM_001406814.1 and 4 more transcripts); c.1655_1677dup, p.Val560Leufs (NM_001406813.1); c.1481_1503dup, p.Val502Leufs (NM_001406826.1); and 3 more; short protein forms V558fs, V256fs, V428fs.
Identifiers: ClinVar variation 1777194 (VCV001777194.2), dbSNP rs2530622217, ClinGen allele CA2580067665.
Genomic context (GRCh38, chr2:47,799,630, plus strand): 5'-TGATCCCTCTGAGAACTACAGTAAGTATCTTCTTAGCCTCAAAGAAAAAGAGGAAGATTC[T>TTCTGGCCATACTCGTGCATATGG]TCTGGCCATACTCGTGCATATGGTGTGTGCTTTGTTGATACTTCACTGGGAAAGTTTTTC-3'

ClinVar aggregate classification (germline): Pathogenic (1 of 4 stars; one submission).

Conditions:
Hereditary cancer-predisposing syndrome. Also called: Neoplastic Syndromes, Hereditary; Tumor predisposition; Hereditary Cancer Syndrome; Hereditary neoplastic syndrome. Identifiers: Orphanet 140162, MedGen C0027672, MeSH D009386, MONDO:0015356.

Submission:

Ambry Genetics
Classification: Pathogenic for Hereditary cancer-predisposing syndrome. Last evaluated: 2019-04-25. Review status: criteria provided, single submitter. Criteria: Ambry Variant Classification Scheme 2023. Collection method: clinical testing. Allele origin: germline.
Comment: The c.1649_1671dup23 variant, located in coding exon 4 of the MSH6 gene, results from a duplication of CTGGCCATACTCGTGCATATGGT at nucleotide position 1649, causing a translational frameshift with a predicted alternate stop codon (p.V558Lfs*21). This alteration is expected to result in loss of function by premature protein truncation or nonsense-mediated mRNA decay. As such, this alteration is interpreted as a disease-causing mutation.